The following is an entry in ClinVar:

NC_000004.11:g.(?_103488144)_(103505977_?)del

Gene: NFKB1 (nuclear factor kappa B subunit 1; plus strand). Cytogenetic location: 4q24.
Variant type: Deletion.
Identifiers: ClinVar variation 1069169 (VCV001069169.3).

ClinVar aggregate classification (germline): Pathogenic (1 of 4 stars; one submission).

Submission:

Labcorp Genetics (formerly Invitae), Labcorp
Classification: Pathogenic. Last evaluated: 2020-03-26. Review status: criteria provided, single submitter. Criteria: Invitae Variant Classification Sherloc (09022015). Collection method: clinical testing. Allele origin: germline.
Comment: For these reasons, this variant has been classified as Pathogenic. Loss-of-function variants in NFKB1 are known to be pathogenic (PMID: 26279205). A similar deletion has not been reported in the literature in individuals with NFKB1-related conditions. This variant is an out-of-frame deletion of the genomic region encompassing exons 6-11 of the NFKB1 gene. This is expected to create a premature translational stop signal and result in an absent or disrupted protein product.

Literature cited by the submitters: PubMed 26279205.